The following is an entry in ClinVar:

NM_001692.4(ATP6V1B1):c.585+1G>T

Gene: ATP6V1B1 (ATPase H+ transporting V1 subunit B1; plus strand). Cytogenetic location: 2p13.3.
Variant type: single nucleotide variant.
Coding change: c.585+1G>T on transcript NM_001692.4 (MANE Select); the canonical splice donor site of the intron after coding-DNA position 585, G replaced by T.
Molecular consequence: splice donor variant.
Genome position (GRCh38, 1-based): chr2:70,960,079, G>T. VCF-style: chr2-70960079-G-T. GRCh37 (hg19) VCF-style: chr2-71187209-G-T.
Identifiers: ClinVar variation 2801597 (VCV002801597.3), dbSNP rs782723581, ClinGen allele CA1701087.

ClinVar aggregate classification (germline): Likely pathogenic (1 of 4 stars; one submission).

Submission:

Labcorp Genetics (formerly Invitae), Labcorp
Classification: Likely pathogenic. Last evaluated: 2023-05-05. Review status: criteria provided, single submitter. Criteria: Invitae Variant Classification Sherloc (09022015). Collection method: clinical testing. Allele origin: germline.
Comment: This variant is present in population databases (rs782723581, gnomAD no frequency). This sequence change affects a donor splice site in intron 6 of the ATP6V1B1 gene. It is expected to disrupt RNA splicing. Variants that disrupt the donor or acceptor splice site typically lead to a loss of protein function (PMID: 16199547), and loss-of-function variants in ATP6V1B1 are known to be pathogenic (PMID: 9916796, 18368028). Disruption of this splice site has been observed in individual(s) with renal tubular acidosis with sensorineural deafness (PMID: 9916796). In summary, the currently available evidence indicates that the variant is pathogenic, but additional data are needed to prove that conclusively. Therefore, this variant has been classified as Likely Pathogenic. Algorithms developed to predict the effect of sequence changes on RNA splicing suggest that this variant may disrupt the consensus splice site.

Literature cited by the submitters: PubMed 16199547; PubMed 9916796; PubMed 18368028.